The following is an entry in ClinVar:

ClinVar aggregate classification (germline): Uncertain significance. Review status: criteria provided, multiple submitters, no conflicts (2 of 4 stars). 3 submissions from 3 submitters: Uncertain significance (3). Last evaluated 2024-09-10.

Conditions:
Inborn genetic diseases. Identifiers: MedGen C0950123, MeSH D030342.

Allele frequency attached by ClinVar (database versions not stated): ExAC 0.00004; TOPMed 0.00005; ESP Exome Variant Server 0.00008; gnomAD exomes 0.00010 and 0.00012; gnomAD 0.00013 and 0.00014.

Submissions (3):

Blueprint Genetics
Classification: Uncertain significance. Last evaluated: 2024-09-10. Review status: criteria provided, single submitter. Criteria: ACMG Guidelines, 2015. Collection method: clinical testing. Allele origin: germline.

Labcorp Genetics (formerly Invitae), Labcorp
Classification: Uncertain significance. Last evaluated: 2022-03-28. Review status: criteria provided, single submitter. Criteria: Invitae Variant Classification Sherloc (09022015). Collection method: clinical testing. Allele origin: germline.
Comment: Algorithms developed to predict the effect of missense changes on protein structure and function are either unavailable or do not agree on the potential impact of this missense change (SIFT: "Deleterious"; PolyPhen-2: "Probably Damaging"; Align-GVGD: "Class C0"). In summary, the available evidence is currently insufficient to determine the role of this variant in disease. Therefore, it has been classified as a Variant of Uncertain Significance. This variant has not been reported in the literature in individuals affected with NKX6-2-related conditions. This variant is present in population databases (rs376083581, gnomAD 0.06%). This sequence change replaces lysine, which is basic and polar, with glutamic acid, which is acidic and polar, at codon 250 of the NKX6-2 protein (p.Lys250Glu).

Ambry Genetics
Classification: Uncertain significance for Inborn genetic diseases. Last evaluated: 2021-07-13. Review status: criteria provided, single submitter. Criteria: Ambry Variant Classification Scheme 2023. Collection method: clinical testing. Allele origin: germline.

NM_177400.3(NKX6-2):c.748A>G (p.Lys250Glu)

Gene: NKX6-2 (NK6 homeobox 2; minus strand). Cytogenetic location: 10q26.3.
Variant type: single nucleotide variant.
Coding change: c.748A>G on transcript NM_177400.3 (MANE Select); coding-DNA position 748, A replaced by G.
Protein change: p.Lys250Glu; replaces lysine 250 with glutamic acid.
Molecular consequence: missense variant.
Genome position (GRCh38, 1-based): chr10:132,785,002, T>C on the plus strand (A>G on the coding strand, the complement: NKX6-2 is on the minus strand). VCF-style: chr10-132785002-T-C. GRCh37 (hg19) VCF-style: chr10-134598506-T-C.
Other names: c.748A>G (NM_177400.2); short protein forms K250E.
Identifiers: ClinVar variation 1524267 (VCV001524267.10), dbSNP rs376083581, ClinGen allele CA5755991.